The following is an entry in ClinVar:

NM_001397.3(ECE1):c.1033G>T (p.Ala345Ser)

Gene: ECE1 (endothelin converting enzyme 1; minus strand). Cytogenetic location: 1p36.12.
Variant type: single nucleotide variant.
Coding change: c.1033G>T on transcript NM_001397.3 (MANE Select); coding-DNA position 1033, G replaced by T.
Protein change: p.Ala345Ser; replaces alanine 345 with serine.
Molecular consequence: missense variant.
Genome position (GRCh38, 1-based): chr1:21,247,351, C>A on the plus strand (G>T on the coding strand, the complement: ECE1 is on the minus strand). VCF-style: chr1-21247351-C-A. GRCh37 (hg19) VCF-style: chr1-21573844-C-A.
Other names: c.997G>T, p.Ala333Ser (NM_001113347.2); c.985G>T, p.Ala329Ser (NM_001113348.2); c.1024G>T, p.Ala342Ser (NM_001113349.2); short protein forms A329S, A333S, A342S, A345S.
Identifiers: ClinVar variation 3356093 (VCV003356093.1).

ClinVar aggregate classification (germline): Uncertain significance (0 of 4 stars; one submission).

Conditions:
ECE1-related disorder. Also called: ECE1-related condition.

Submission:

PreventionGenetics, part of Exact Sciences
Classification: Uncertain significance for ECE1-related condition. Last evaluated: 2024-03-27. Review status: no assertion criteria provided. Collection method: clinical testing. Allele origin: germline.
Comment: The ECE1 c.1033G>T variant is predicted to result in the amino acid substitution p.Ala345Ser. To our knowledge, this variant has not been reported in the literature or in a large population database, indicating this variant is rare. At this time, the clinical significance of this variant is uncertain due to the absence of conclusive functional and genetic evidence.